The following is an entry in ClinVar:

ClinVar aggregate classification (germline): Likely pathogenic. Review status: criteria provided, multiple submitters, no conflicts (2 of 4 stars). 2 submissions from 2 submitters: Likely pathogenic (2). Last evaluated 2022-01-03.

Conditions:
Hereditary spherocytosis type 1. Also called: Spherocytosis type 1; ANK1-Related Spherocytosis. Identifiers: Orphanet 822, MedGen C2674218, MONDO:0008447, OMIM 182900.

Submissions (2):

Revvity Omics, Revvity
Classification: Likely pathogenic for Hereditary spherocytosis type 1. Last evaluated: 2022-01-03. Review status: criteria provided, single submitter. Criteria: ACMG Guidelines, 2015. Collection method: clinical testing. Allele origin: germline.

Mayo Clinic Laboratories, Mayo Clinic
Classification: Likely pathogenic. Last evaluated: 2020-03-10. Review status: criteria provided, single submitter. Criteria: ACMG Guidelines, 2015. Collection method: clinical testing. Allele origin: germline. Observed: 1 variant allele.
Comment: PVS1, PM2

NM_000037.4(ANK1):c.4813del (p.Ala1605fs)

Gene: ANK1 (ankyrin 1; minus strand). Cytogenetic location: 8p11.21.
Variant type: Deletion.
Coding change: c.4813del on transcript NM_000037.4 (MANE Select); coding-DNA position 4813, one base deleted (G; older notation c.4813delG).
Protein change: p.Ala1605fs; shifts the reading frame from alanine 1605.
Molecular consequence: frameshift variant. On other transcripts: intron variant (1).
Genome position (GRCh38, 1-based): chr8:41,672,637, C deleted on the plus strand (G on the coding strand, the reverse complement: ANK1 is on the minus strand); the first of 5 consecutive C bases (chr8:41,672,637-41,672,641); deleting any one gives the same sequence. VCF-style (leftmost placement, unchanged base first): chr8-41672636-GC-G. GRCh37 (hg19) VCF-style: chr8-41530154-GC-G.
Other names: c.4936del, p.Ala1646fs (NM_001142446.2); c.4813del, p.Ala1605fs (NM_020475.3, NM_020476.3); c.4538-211del (NM_020477.3); short protein forms A1605fs, A1646fs.
Identifiers: ClinVar variation 1163486 (VCV001163486.8), dbSNP rs2150563125, ClinGen allele CA2499219296.